The following is an entry in ClinVar:

ClinVar aggregate classification (germline): Uncertain significance (1 of 4 stars; one submission).

Conditions:
Inborn genetic diseases. Identifiers: MedGen C0950123, MeSH D030342.

Submission:

Ambry Genetics
Classification: Uncertain significance for Inborn genetic diseases. Last evaluated: 2021-11-22. Review status: criteria provided, single submitter. Criteria: Ambry Variant Classification Scheme 2023. Collection method: clinical testing. Allele origin: germline.
Comment: The p.G1013A variant (also known as c.3038G>C), located in coding exon 23 of the BUB1B gene, results from a G to C substitution at nucleotide position 3038. The glycine at codon 1013 is replaced by alanine, an amino acid with similar properties. This amino acid position is conserved. In addition, this alteration is predicted to be tolerated by in silico analysis. Since supporting evidence is limited at this time, the clinical significance of this alteration remains unclear.

NM_001211.6(BUB1B):c.3038G>C (p.Gly1013Ala)

Genes: BUB1B (BUB1 mitotic checkpoint serine/threonine kinase B; plus strand), BUB1B-PAK6 (BUB1B-PAK6 readthrough; plus strand). Cytogenetic location: 15q15.1.
Variant type: single nucleotide variant.
Coding change: c.3038G>C on transcript NM_001211.6 (MANE Select); coding-DNA position 3038, G replaced by C.
Protein change: p.Gly1013Ala; replaces glycine 1013 with alanine.
Molecular consequence: missense variant. On other transcripts: intron variant (2).
Genome position (GRCh38, 1-based): chr15:40,220,644, G>C. VCF-style: chr15-40220644-G-C. GRCh37 (hg19) VCF-style: chr15-40512845-G-C.
Other names: c.-201+2977G>C (NM_001128628.3); c.-118+2977G>C (NM_001128629.3); short protein forms G1013A.
Identifiers: ClinVar variation 1799108 (VCV001799108.2), dbSNP rs755017710, ClinGen allele CA391689908.